The following is an entry in ClinVar:

ClinVar aggregate classification (germline): Uncertain significance (1 of 4 stars; one submission).

Submission:

Ambry Genetics
Classification: Uncertain significance. Last evaluated: 2025-01-17. Review status: criteria provided, single submitter. Criteria: Ambry Variant Classification Scheme 2023. Collection method: clinical testing. Allele origin: germline.
Comment: The p.L186P variant (also known as c.557T>C), located in coding exon 5 of the SRP72 gene, results from a T to C substitution at nucleotide position 557. The leucine at codon 186 is replaced by proline, an amino acid with similar properties. This amino acid position is conserved. In addition, this alteration is predicted to be deleterious by in silico analysis. Based on the available evidence, the clinical significance of this variant remains unclear.

NM_006947.4(SRP72):c.557T>C (p.Leu186Pro)

Gene: SRP72 (signal recognition particle 72; plus strand). Cytogenetic location: 4q12.
Variant type: single nucleotide variant.
Coding change: c.557T>C on transcript NM_006947.4 (MANE Select); coding-DNA position 557, T replaced by C.
Protein change: p.Leu186Pro; replaces leucine 186 with proline.
Molecular consequence: missense variant. On other transcripts: non-coding transcript variant (1).
Genome position (GRCh38, 1-based): chr4:56,474,338, T>C. VCF-style: chr4-56474338-T-C. GRCh37 (hg19) VCF-style: chr4-57340504-T-C.
Other names: c.557T>C, p.Leu186Pro (NM_001267722.2); short protein forms L186P.
Identifiers: ClinVar variation 3801447 (VCV003801447.1).